The following is an entry in ClinVar:

ClinVar aggregate classification (germline): Uncertain significance. Review status: criteria provided, single submitter (1 of 4 stars). 2 submissions from 2 submitters: Uncertain significance (1). 1 of the submissions does not count toward it. Last evaluated 2025-06-11.

Conditions:
HEMOGLOBIN MARINEO.

Allele frequency attached by ClinVar (database versions not stated): gnomAD exomes below 0.00001.
gnomAD v4.1: 1 of 1,614,120 alleles (0.000062%); highest among the groups gnomAD compares: Non-Finnish European, 0.000085%; no homozygotes.

Submissions (2):

Women's Health and Genetics/Laboratory Corporation of America, LabCorp
Classification: Uncertain significance. Last evaluated: 2025-06-11. Review status: criteria provided, single submitter. Criteria: LabCorp Variant Classification Summary - May 2015. Collection method: clinical testing. Allele origin: germline.
Comment: Variant summary: HBB c.212C>T (p.Ala71Val), also reported as Hb Marineo [70(E14)Ala Val], results in a non-conservative amino acid change in the encoded protein sequence. Algorithms developed to predict the effect of missense changes on protein structure and function are either unavailable or do not agree on the potential impact of this missense change. The variant was absent in 251418 control chromosomes. The available data on variant occurrences in the general population are insufficient to allow any conclusion about variant significance. To our knowledge, no occurrence of c.212C>T in individuals affected with HBB-related conditions and no experimental evidence demonstrating its impact on protein function have been reported. The following publications have been ascertained in the context of this evaluation (PMID: 16798637, 33675809, 17932132, 28296713, 19500561, 20059533, 21353607, 19591816). ClinVar contains an entry for this variant (Variation ID: 15621). Based on the evidence outlined above, the variant was classified as uncertain significance.

OMIM
Classification: other for HEMOGLOBIN MARINEO. Last evaluated: 2017-12-12. Review status: no assertion criteria provided. Collection method: literature only. Allele origin: germline. Not counted in ClinVar's aggregate classification.

Literature cited by the submitters: PubMed 16798637 (cited by Women's Health and Genetics/Laboratory Corporation of America, LabCorp and OMIM); PubMed 17932132 (cited by Women's Health and Genetics/Laboratory Corporation of America, LabCorp); PubMed 21353607 (cited by Women's Health and Genetics/Laboratory Corporation of America, LabCorp); PubMed 19500561 (cited by Women's Health and Genetics/Laboratory Corporation of America, LabCorp); PubMed 33675809 (cited by Women's Health and Genetics/Laboratory Corporation of America, LabCorp); PubMed 28296713 (cited by Women's Health and Genetics/Laboratory Corporation of America, LabCorp); PubMed 20059533 (cited by Women's Health and Genetics/Laboratory Corporation of America, LabCorp); PubMed 19591816 (cited by Women's Health and Genetics/Laboratory Corporation of America, LabCorp).

NM_000518.4(HBB):c.212C>T (p.Ala71Val)

Genes: HBB (hemoglobin subunit beta; minus strand), LOC106099062 (HBB recombination region; plus strand), LOC107133510 (origin of replication at HBB; plus strand). Cytogenetic location: 11p15.4.
Variant type: single nucleotide variant.
Coding change: c.212C>T on transcript NM_000518.4; coding-DNA position 212, C replaced by T.
Protein change: p.Ala71Val; replaces alanine 71 with valine.
Molecular consequence: missense variant (on NM_000518.5).
Genome position (GRCh38, 1-based): chr11:5,226,680, G>A on the plus strand (C>T on the coding strand, the complement: HBB is on the minus strand). VCF-style: chr11-5226680-G-A. GRCh37 (hg19) VCF-style: chr11-5247910-G-A.
Other names: A70V; c.212C>T, p.Ala71Val (NM_000518.5); short protein forms A71V.
Identifiers: ClinVar variation 15621 (VCV000015621.3), dbSNP rs33946401, ClinGen allele CA125542.